The following is an entry in ClinVar:

ClinVar aggregate classification (germline): Uncertain significance (1 of 4 stars; one submission).

gnomAD v4.1: 15 of 1,607,064 alleles (0.00093%); highest among the groups gnomAD compares: Non-Finnish European, 0.0013%; no homozygotes.

Submission:

Labcorp Genetics (formerly Invitae), Labcorp
Classification: Uncertain significance. Last evaluated: 2026-01-07. Review status: criteria provided, single submitter. Criteria: Invitae Variant Classification Sherloc (09022015). Collection method: clinical testing. Allele origin: germline.
Comment: This sequence change replaces serine, which is neutral and polar, with cysteine, which is neutral and slightly polar, at codon 81 of the NFKB1 protein (p.Ser81Cys). This variant is present in population databases (no rsID available, gnomAD 0.0009%). This variant has not been reported in the literature in individuals affected with NFKB1-related conditions. ClinVar contains an entry for this variant (Variation ID: 3697531). Invitae Evidence Modeling of protein sequence and biophysical properties (such as structural, functional, and spatial information, amino acid conservation, physicochemical variation, residue mobility, and thermodynamic stability) indicates that this missense variant is expected to disrupt NFKB1 protein function with a positive predictive value of 80%. In summary, the available evidence is currently insufficient to determine the role of this variant in disease. Therefore, it has been classified as a Variant of Uncertain Significance.

NM_003998.4(NFKB1):c.242C>G (p.Ser81Cys)

Gene: NFKB1 (nuclear factor kappa B subunit 1; plus strand). Cytogenetic location: 4q24.
Variant type: single nucleotide variant.
Coding change: c.242C>G on transcript NM_003998.4 (MANE Select); coding-DNA position 242, C replaced by G.
Protein change: p.Ser81Cys; replaces serine 81 with cysteine.
Molecular consequence: missense variant.
Genome position (GRCh38, 1-based): chr4:102,537,940, C>G. VCF-style: chr4-102537940-C-G. GRCh37 (hg19) VCF-style: chr4-103459097-C-G.
Other names: c.239C>G, p.Ser80Cys (NM_001165412.2, NM_001319226.2, NM_001382627.1); c.242C>G, p.Ser81Cys (NM_001382625.1, NM_001382626.1); c.200C>G, p.Ser67Cys (NM_001382628.1); short protein forms S67C, S81C, S80C.
Identifiers: ClinVar variation 3697531 (VCV003697531.2).